The following is an entry in ClinVar:

NM_002335.4(LRP5):c.3829G>A (p.Ala1277Thr)

Gene: LRP5 (LDL receptor related protein 5; plus strand). Cytogenetic location: 11q13.2.
Variant type: single nucleotide variant.
Coding change: c.3829G>A on transcript NM_002335.4 (MANE Select); coding-DNA position 3829, G replaced by A.
Protein change: p.Ala1277Thr; replaces alanine 1277 with threonine.
Molecular consequence: missense variant.
Genome position (GRCh38, 1-based): chr11:68,433,667, G>A. VCF-style: chr11-68433667-G-A. GRCh37 (hg19) VCF-style: chr11-68201135-G-A.
Other names: c.2086G>A, p.Ala696Thr (NM_001291902.2); short protein forms A1277T, A696T.
Identifiers: ClinVar variation 1716907 (VCV001716907.5), dbSNP rs754686025, ClinGen allele CA381613706.

ClinVar aggregate classification (germline): Uncertain significance (1 of 4 stars; one submission).

gnomAD v4.1: 2 of 1,613,308 alleles (0.00012%); highest among the groups gnomAD compares: Non-Finnish European, 0.00017%; no homozygotes.

Submission:

Labcorp Genetics (formerly Invitae), Labcorp
Classification: Uncertain significance. Last evaluated: 2022-08-19. Review status: criteria provided, single submitter. Criteria: Invitae Variant Classification Sherloc (09022015). Collection method: clinical testing. Allele origin: germline.
Comment: In summary, the available evidence is currently insufficient to determine the role of this variant in disease. Therefore, it has been classified as a Variant of Uncertain Significance. Advanced modeling of protein sequence and biophysical properties (such as structural, functional, and spatial information, amino acid conservation, physicochemical variation, residue mobility, and thermodynamic stability) performed at Invitae indicates that this missense variant is not expected to disrupt LRP5 protein function. This variant has not been reported in the literature in individuals affected with LRP5-related conditions. This variant is not present in population databases (gnomAD no frequency). This sequence change replaces alanine, which is neutral and non-polar, with threonine, which is neutral and polar, at codon 1277 of the LRP5 protein (p.Ala1277Thr).